The following is an entry in ClinVar:

NM_001382567.1(STIM1):c.626A>G (p.Asn209Ser)

Gene: STIM1 (stromal interaction molecule 1; plus strand). Cytogenetic location: 11p15.4.
Variant type: single nucleotide variant.
Coding change: c.626A>G on transcript NM_001382567.1 (MANE Select); coding-DNA position 626, A replaced by G.
Protein change: p.Asn209Ser; replaces asparagine 209 with serine.
Molecular consequence: missense variant. On other transcripts: non-coding transcript variant (2).
Genome position (GRCh38, 1-based): chr11:4,070,038, A>G. VCF-style: chr11-4070038-A-G. GRCh37 (hg19) VCF-style: chr11-4091268-A-G.
Other names: c.626A>G, p.Asn209Ser (NM_001277961.3, NM_001277962.2, NM_001382568.1 and 2 more transcripts); c.404A>G, p.Asn135Ser (NM_001382566.1, NM_001382573.1, NM_001382574.1 and 5 more transcripts); c.491A>G, p.Asn164Ser (NM_001382569.1); c.398A>G, p.Asn133Ser (NM_001382570.1); c.146A>G, p.Asn49Ser (NM_001382571.1); c.137A>G, p.Asn46Ser (NM_001382580.1, NM_001382581.1); c.626A>G (NM_003156.3); short protein forms N209S, N164S, N133S, N46S, N49S, N135S.
Identifiers: ClinVar variation 1364666 (VCV001364666.8), dbSNP rs763916693, ClinGen allele CA5830279.

ClinVar aggregate classification (germline): Uncertain significance. Review status: criteria provided, multiple submitters, no conflicts (2 of 4 stars). 3 submissions from 3 submitters: Uncertain significance (3). Last evaluated 2025-10-21.

Conditions:
Inborn genetic diseases. Identifiers: MedGen C0950123, MeSH D030342.
Myopathy with tubular aggregates (TAM). Also called: Tubular Aggregate Myopathy. Identifiers: Orphanet 2593, MedGen C0410207, MONDO:0008051.
Stormorken syndrome (STRMK). Also called: THROMBOCYTOPATHY, ASPLENIA, AND MIOSIS. Identifiers: Orphanet 3204, MedGen C1861451, MONDO:0008497, OMIM 185070.
Combined immunodeficiency due to STIM1 deficiency. Also called: IMMUNODEFICIENCY 10; STIM1 DEFICIENCY. Identifiers: Orphanet 169090, Orphanet 317430, MedGen C2748557, MONDO:0013008, OMIM 612783.

Allele frequency attached by ClinVar (database versions not stated): gnomAD 0.00001 and 0.00002; ExAC 0.00002; gnomAD exomes 0.00003 and 0.00001; TOPMed 0.00003.
gnomAD v4.1: 26 of 1,614,070 alleles (0.0016%); highest among the groups gnomAD compares: Non-Finnish European, 0.00025%; 1 homozygote.

Submissions (3):

Labcorp Genetics (formerly Invitae), Labcorp
Classification: Uncertain significance for Myopathy with tubular aggregates; Combined immunodeficiency due to STIM1 deficiency; Stormorken syndrome. Last evaluated: 2025-10-21. Review status: criteria provided, single submitter. Criteria: Invitae Variant Classification Sherloc (09022015). Collection method: clinical testing. Allele origin: germline.
Comment: This sequence change replaces asparagine, which is neutral and polar, with serine, which is neutral and polar, at codon 209 of the STIM1 protein (p.Asn209Ser). This variant is present in population databases (rs763916693, gnomAD 0.06%). This variant has not been reported in the literature in individuals affected with STIM1-related conditions. ClinVar contains an entry for this variant (Variation ID: 1364666). Invitae Evidence Modeling of protein sequence and biophysical properties (such as structural, functional, and spatial information, amino acid conservation, physicochemical variation, residue mobility, and thermodynamic stability) has been performed for this missense variant. However, the output from this modeling did not meet the statistical confidence thresholds required to predict the impact of this variant on STIM1 protein function. In summary, the available evidence is currently insufficient to determine the role of this variant in disease. Therefore, it has been classified as a Variant of Uncertain Significance.

Ambry Genetics
Classification: Uncertain significance for Inborn genetic diseases. Last evaluated: 2025-08-28. Review status: criteria provided, single submitter. Criteria: Ambry Variant Classification Scheme 2023. Collection method: clinical testing. Allele origin: germline.

GeneDx
Classification: Uncertain significance. Last evaluated: 2024-12-31. Review status: criteria provided, single submitter. Criteria: GeneDx Variant Classification Process June 2021. Collection method: clinical testing. Allele origin: germline. Affected: yes.
Comment: In silico analysis supports that this missense variant has a deleterious effect on protein structure/function; Has not been previously published as pathogenic or benign to our knowledge